The following is an entry in ClinVar:

NM_018003.4(UACA):c.324T>C (p.Ala108=)

Gene: UACA (uveal autoantigen with coiled-coil domains and ankyrin repeats; minus strand). Cytogenetic location: 15q23.
Variant type: single nucleotide variant.
Coding change: c.324T>C on transcript NM_018003.4 (MANE Select); coding-DNA position 324, T replaced by C.
Protein change: p.Ala108=; no amino-acid change (alanine 108 retained).
Molecular consequence: synonymous variant.
Genome position (GRCh38, 1-based): chr15:70,691,341, A>G on the plus strand (T>C on the coding strand, the complement: UACA is on the minus strand). VCF-style: chr15-70691341-A-G. GRCh37 (hg19) VCF-style: chr15-70983680-A-G.
Other names: c.285T>C, p.Ala95= (NM_001008224.3).
Identifiers: ClinVar variation 3039917 (VCV003039917.2), dbSNP rs575121985, ClinGen allele CA7637528.

ClinVar aggregate classification (germline): Likely benign (0 of 4 stars; one submission).

Conditions:
UACA-related disorder. Also called: UACA-related condition.

Allele frequency attached by ClinVar (database versions not stated): TOPMed 0.00009; gnomAD 0.00015; gnomAD exomes 0.00015; ExAC 0.00032; 1000 Genomes Project 30x 0.00109; 1000 Genomes Project 0.00140.
gnomAD v4.1: 247 of 1,609,800 alleles (0.015%); highest among the groups gnomAD compares: South Asian, 0.13%; 1 homozygote.

Submission:

PreventionGenetics, part of Exact Sciences
Classification: Likely benign for UACA-related condition. Last evaluated: 2019-09-13. Review status: no assertion criteria provided. Collection method: clinical testing. Allele origin: germline.
Comment: This variant is classified as likely benign based on ACMG/AMP sequence variant interpretation guidelines (Richards et al. 2015 PMID: 25741868, with internal and published modifications).